The following is an entry in ClinVar:

ClinVar aggregate classification (germline): Pathogenic (1 of 4 stars; one submission).

Conditions:
Townes-Brocks syndrome 1 (TBS1). Also called: DEAFNESS, SENSORINEURAL, WITH IMPERFORATE ANUS AND THUMB ANOMALIES; REAR SYNDROME; RENAL-EAR-ANAL-RADIAL SYNDROME; SALL1-Related Townes-Brocks Syndrome. Identifiers: Orphanet 857, MedGen C4551481, MONDO:0054581, OMIM 107480.

Submission:

Molecular Genetics Laboratory, Motol Hospital
Classification: Pathogenic for Townes-Brocks syndrome 1. Last evaluated: 2026-02-13. Review status: criteria provided, single submitter. Criteria: ACMG Guidelines, 2015. Collection method: clinical testing. Allele origin: germline. Inheritance: Autosomal dominant inheritance. Affected: yes.
Comment: Null variant (nonsense) in a gene where loss of function (LOF) is a known mechanism of disease (PVS1). Rare variant not present in general population (non-Finnish European) and not reported elsewhere (PM2). Therefore, the variant is classified as pathogenic.

Literature cited by the submitters: NCBI Bookshelf 1445; PubMed 40658219.

NM_002968.3(SALL1):c.286G>T (p.Glu96Ter)

Gene: SALL1 (spalt like transcription factor 1; minus strand). Cytogenetic location: 16q12.1.
Variant type: single nucleotide variant.
Coding change: c.286G>T on transcript NM_002968.3 (MANE Select); coding-DNA position 286, G replaced by T.
Protein change: p.Glu96Ter; replaces glutamic acid 96 with a stop codon.
Molecular consequence: nonsense. On other transcripts: 5 prime UTR variant (1).
Genome position (GRCh38, 1-based): chr16:51,141,936, C>A on the plus strand (G>T on the coding strand, the complement: SALL1 is on the minus strand). VCF-style: chr16-51141936-C-A. GRCh37 (hg19) VCF-style: chr16-51175847-C-A.
Other names: c.-6G>T (NM_001127892.2); short protein forms E96*.
Identifiers: ClinVar variation 4795788 (VCV004795788.1).